The following is an entry in ClinVar:

NM_001035.3(RYR2):c.926T>C (p.Met309Thr)

Gene: RYR2 (ryanodine receptor 2; plus strand). Cytogenetic location: 1q43.
Variant type: single nucleotide variant.
Coding change: c.926T>C on transcript NM_001035.3 (MANE Select); coding-DNA position 926, T replaced by C.
Protein change: p.Met309Thr; replaces methionine 309 with threonine.
Molecular consequence: missense variant.
Genome position (GRCh38, 1-based): chr1:237,423,169, T>C. VCF-style: chr1-237423169-T-C. GRCh37 (hg19) VCF-style: chr1-237586469-T-C.
Other names: c.926T>C, p.Met309Thr (LRG_402t1); short protein forms M309T.
Identifiers: ClinVar variation 513024 (VCV000513024.14), dbSNP rs542853582, ClinGen allele CA076497.

ClinVar aggregate classification (germline): Likely benign. Review status: criteria provided, multiple submitters, no conflicts (2 of 4 stars). 4 submissions from 4 submitters: Likely benign (4). Last evaluated 2025-10-09.

Conditions:
Cardiomyopathy (CMYO). Also called: Cardiomyopathies. Identifiers: Orphanet 167848, MedGen C0878544, MONDO:0004994, HP:0001638. Inheritance: Various modes of inheritance.
Cardiovascular phenotype. Identifiers: MedGen CN230736.
Catecholaminergic polymorphic ventricular tachycardia 1. Also called: VENTRICULAR TACHYCARDIA, CATECHOLAMINERGIC POLYMORPHIC, 1, WITH OR WITHOUT ATRIAL DYSFUNCTION AND/OR DILATED CARDIOMYOPATHY; RYR2-Related Catecholaminergic Polymorphic Ventricular Tachycardia; VENTRICULAR TACHYCARDIA, STRESS-INDUCED POLYMORPHIC 1. Identifiers: Orphanet 3286, MedGen C1631597, MONDO:0011484, OMIM 604772.

Allele frequency attached by ClinVar (database versions not stated): gnomAD 0.00003; TOPMed 0.00005; gnomAD exomes 0.00007 and 0.00015; ExAC 0.00015.
gnomAD v4.1: 45 of 1,613,768 alleles (0.0028%); highest among the groups gnomAD compares: Admixed American, 0.073%; no homozygotes.

Submissions (4):

Labcorp Genetics (formerly Invitae), Labcorp
Classification: Likely benign for Catecholaminergic polymorphic ventricular tachycardia 1. Last evaluated: 2025-10-09. Review status: criteria provided, single submitter. Criteria: Invitae Variant Classification Sherloc (09022015). Collection method: clinical testing. Allele origin: germline.

Ambry Genetics
Classification: Likely benign for Cardiovascular phenotype. Last evaluated: 2024-06-03. Review status: criteria provided, single submitter. Criteria: Ambry Variant Classification Scheme 2023. Collection method: clinical testing. Allele origin: germline.

Color Diagnostics, LLC DBA Color Health
Classification: Likely benign for Cardiomyopathy. Last evaluated: 2018-11-26. Review status: criteria provided, single submitter. Criteria: ACMG Guidelines, 2015. Collection method: clinical testing. Allele origin: germline.

GeneDx
Classification: Likely benign. Last evaluated: 2017-10-27. Review status: criteria provided, single submitter. Criteria: GeneDx Variant Classification (06012015). Collection method: clinical testing. Allele origin: germline. Affected: yes.
Comment: This variant is considered likely benign or benign based on one or more of the following criteria: it is a conservative change, it occurs at a poorly conserved position in the protein, it is predicted to be benign by multiple in silico algorithms, and/or has population frequency not consistent with disease.

Literature cited by the submitters: PubMed 28404607 (cited by Ambry Genetics).